The following is an entry in ClinVar:

ClinVar aggregate classification (germline): Uncertain significance (1 of 4 stars; one submission).

Conditions:
Werner syndrome (WRN). Identifiers: Orphanet 902, MedGen C0043119, MONDO:0010196, OMIM 277700.

Submission:

Labcorp Genetics (formerly Invitae), Labcorp
Classification: Uncertain significance for Werner syndrome. Last evaluated: 2022-02-04. Review status: criteria provided, single submitter. Criteria: Invitae Variant Classification Sherloc (09022015). Collection method: clinical testing. Allele origin: germline.
Comment: This variant has not been reported in the literature in individuals affected with WRN-related conditions. This variant is not present in population databases (gnomAD no frequency). This sequence change replaces methionine, which is neutral and non-polar, with threonine, which is neutral and polar, at codon 1211 of the WRN protein (p.Met1211Thr). Algorithms developed to predict the effect of missense changes on protein structure and function are either unavailable or do not agree on the potential impact of this missense change (SIFT: "Not Available"; PolyPhen-2: "Probably Damaging"; Align-GVGD: "Not Available"). In summary, the available evidence is currently insufficient to determine the role of this variant in disease. Therefore, it has been classified as a Variant of Uncertain Significance.

NM_000553.6(WRN):c.3632T>C (p.Met1211Thr)

Gene: WRN (WRN RecQ like helicase; plus strand). Cytogenetic location: 8p12.
Variant type: single nucleotide variant.
Coding change: c.3632T>C on transcript NM_000553.6 (MANE Select); coding-DNA position 3632, T replaced by C.
Protein change: p.Met1211Thr; replaces methionine 1211 with threonine.
Molecular consequence: missense variant.
Genome position (GRCh38, 1-based): chr8:31,150,400, T>C. VCF-style: chr8-31150400-T-C. GRCh37 (hg19) VCF-style: chr8-31007916-T-C.
Other names: short protein forms M1211T.
Identifiers: ClinVar variation 1445917 (VCV001445917.8), dbSNP rs2130454327, ClinGen allele CA370927788.
Genomic context (GRCh38, chr8:31,150,400, plus strand): 5'-GACCAACTACGGTTGAAAACGTAAAAAGGATTGATGGTGTTTCTGAAGGCAAAGCTGCCA[T>C]GTTGGCCCCTCTGTTGGAAGTCATCAAACATTTCTGCCAAACAAATAGTGTTCAGGTAAA-3'
Protein context (NP_000544.2, residues 1201-1221): IDGVSEGKAA[Met1211Thr]LAPLLEVIKH